The following is an entry in ClinVar:

ClinVar aggregate classification (germline): Uncertain significance (1 of 4 stars; one submission).

Conditions:
Cardiac arrhythmia. Also called: Arrhythmia; Cardiac rhythm disease. Identifiers: MedGen C0003811, MONDO:0007263, HP:0011675.

Submission:

Color Diagnostics, LLC DBA Color Health
Classification: Uncertain significance for Cardiac arrhythmia. Last evaluated: 2025-04-15. Review status: criteria provided, single submitter. Criteria: ACMG Guidelines, 2015. Collection method: clinical testing. Allele origin: germline.
Comment: This missense variant replaces serine with threonine at codon 933 of the KCNH2 protein. Computational prediction suggests that this variant may not impact protein structure and function. To our knowledge, functional studies have not been reported for this variant. This variant has not been reported in individuals affected with KCNH2-related disorders in the literature. This variant has not been identified in the general population by the Genome Aggregation Database (gnomAD). The available evidence is insufficient to determine the role of this variant in disease conclusively. Therefore, this variant is classified as a Variant of Uncertain Significance.

NM_000238.4(KCNH2):c.2798G>C (p.Ser933Thr)

Gene: KCNH2 (potassium voltage-gated channel subfamily H member 2; minus strand). Cytogenetic location: 7q36.1.
Variant type: single nucleotide variant.
Coding change: c.2798G>C on transcript NM_000238.4 (MANE Select); coding-DNA position 2798, G replaced by C.
Protein change: p.Ser933Thr; replaces serine 933 with threonine.
Molecular consequence: missense variant.
Genome position (GRCh38, 1-based): chr7:150,947,773, C>G on the plus strand (G>C on the coding strand, the complement: KCNH2 is on the minus strand). VCF-style: chr7-150947773-C-G. GRCh37 (hg19) VCF-style: chr7-150644861-C-G.
Other names: c.2510G>C, p.Ser837Thr (NM_001406753.1); c.1778G>C, p.Ser593Thr (NM_172057.3); short protein forms S593T, S837T, S933T.
Identifiers: ClinVar variation 4756625 (VCV004756625.1).